The following is an entry in ClinVar:

ClinVar aggregate classification (germline): Uncertain significance (1 of 4 stars; one submission).

Conditions:
Autosomal recessive nonsyndromic hearing loss 1A (DFNB1A). Also called: GJB6-Related DFNB 1 Nonsyndromic Hearing Loss and Deafness; Connexin 26 deafness; Deafness nonsyndromic, Connexin 26 linked; GJB2-Related Autosomal Recessive Nonsyndromic Hearing Loss; Deafness, autosomal recessive 1A; Nonsyndromic Hearing Loss and Deafness, DFNB1. Identifiers: Orphanet 90636, MedGen C2673759, MONDO:0009076, OMIM 220290.

Submission:

Victorian Clinical Genetics Services, Murdoch Childrens Research Institute
Classification: Uncertain significance for Autosomal recessive nonsyndromic hearing loss 1A. Last evaluated: 2022-02-02. Review status: criteria provided, single submitter. Criteria: ACMG Guidelines, 2015. Collection method: clinical testing. Allele origin: germline.
Comment: Based on the classification scheme VCGS_Germline_v1.3.4, this variant is classified as VUS-3B. Following criteria are met: 0102 - Loss of function is a known mechanism of disease in this gene and is associated with isolated deafness (MIM#601544, #220290) and diseases affecting the skin (various MIM#s). Dominant negative is also a proposed mechanism (PMID: 28428247). (I) 0108 - This gene is associated with both recessive and dominant disease. Autosomal dominant disease is associated with pathogenic missense variants, while autosomal recessive disease is associated with biallelic loss-of-function variants including missense and protein truncating variants (PMID: 11179004, 12792423). (I) 0112 - The condition associated with this gene has incomplete penetrance (PMID: 31160754). (I) 0115 - Variants in this gene are known to have variable expressivity (GeneReviews). (I) 0200 - Variant is predicted to result in a missense amino acid change from alanine to serine. (I) 0251 - This variant is heterozygous. (I) 0301 - Variant is absent from gnomAD (both v2 and v3). (SP) 0502 - Missense variant with conflicting in silico predictions and uninformative conservation. (I) 0600 - Variant is located in the annotated connexin domain (Pfam). (I) 0710 - Other missense variants comparable to the one identified in this case have inconclusive previous evidence for pathogenicity. The variant p.(Ala92Val) has been reported as a VUS in ClinVar, while the variant p.(Ala92Trp) was identified in a control individual in a hearing loss cohort (PMID: 25214170). (I) 0807 - This variant has no previous evidence of pathogenicity. (I) 0905 - No published segregation evidence has been identified for this variant. (I) 1007 - No published functional evidence has been identified for this variant. (I) 1208 - Inheritance information for this variant is not currently available in this individual. (I) Legend: (SP) - Supporting pathogenic, (I) - Information, (SB) - Supporting benign

Literature cited by the submitters: PubMed 11179004; PubMed 12792423; PubMed 25214170; PubMed 28428247; PubMed 31160754.

NM_004004.6(GJB2):c.274G>T (p.Ala92Ser)

Gene: GJB2 (gap junction protein beta 2; minus strand). Cytogenetic location: 13q12.11.
Variant type: single nucleotide variant.
Coding change: c.274G>T on transcript NM_004004.6 (MANE Select); coding-DNA position 274, G replaced by T.
Protein change: p.Ala92Ser; replaces alanine 92 with serine.
Molecular consequence: missense variant.
Genome position (GRCh38, 1-based): chr13:20,189,308, C>A on the plus strand (G>T on the coding strand, the complement: GJB2 is on the minus strand). VCF-style: chr13-20189308-C-A. GRCh37 (hg19) VCF-style: chr13-20763447-C-A.
Other names: short protein forms A92S.
Identifiers: ClinVar variation 3376657 (VCV003376657.1).